The following is an entry in ClinVar:

NM_032380.5(GFM2):c.1848T>G (p.Asn616Lys)

Gene: GFM2 (GTP dependent ribosome recycling factor mitochondrial 2; minus strand). Cytogenetic location: 5q13.3.
Variant type: single nucleotide variant.
Coding change: c.1848T>G on transcript NM_032380.5 (MANE Select); coding-DNA position 1848, T replaced by G.
Protein change: p.Asn616Lys; replaces asparagine 616 with lysine.
Molecular consequence: missense variant. On other transcripts: non-coding transcript variant (1).
Genome position (GRCh38, 1-based): chr5:74,726,005, A>C on the plus strand (T>G on the coding strand, the complement: GFM2 is on the minus strand). VCF-style: chr5-74726005-A-C. GRCh37 (hg19) VCF-style: chr5-74021830-A-C.
Other names: c.1944T>G, p.Asn648Lys (NM_001281302.2); c.1707T>G, p.Asn569Lys (NM_170691.3); short protein forms N569K, N616K, N648K.
Identifiers: ClinVar variation 2829584 (VCV002829584.3), dbSNP rs1323546597, ClinGen allele CA360076761.

ClinVar aggregate classification (germline): Uncertain significance (1 of 4 stars; one submission).

gnomAD v4.1: 1 of 1,601,430 alleles (0.000062%); highest among the groups gnomAD compares: Admixed American, 0.0017%; no homozygotes.

Submission:

Labcorp Genetics (formerly Invitae), Labcorp
Classification: Uncertain significance. Last evaluated: 2023-01-24. Review status: criteria provided, single submitter. Criteria: Invitae Variant Classification Sherloc (09022015). Collection method: clinical testing. Allele origin: germline.
Comment: This sequence change replaces asparagine, which is neutral and polar, with lysine, which is basic and polar, at codon 616 of the GFM2 protein (p.Asn616Lys). This variant is present in population databases (no rsID available, gnomAD 0.003%). This variant has not been reported in the literature in individuals affected with GFM2-related conditions. Advanced modeling of protein sequence and biophysical properties (such as structural, functional, and spatial information, amino acid conservation, physicochemical variation, residue mobility, and thermodynamic stability) performed at Invitae indicates that this missense variant is not expected to disrupt GFM2 protein function. In summary, the available evidence is currently insufficient to determine the role of this variant in disease. Therefore, it has been classified as a Variant of Uncertain Significance.